The following is an entry in ClinVar:

NM_005204.4(MAP3K8):c.964A>G (p.Thr322Ala)

Gene: MAP3K8 (mitogen-activated protein kinase kinase kinase 8; plus strand). Cytogenetic location: 10p11.23.
Variant type: single nucleotide variant.
Coding change: c.964A>G on transcript NM_005204.4 (MANE Select); coding-DNA position 964, A replaced by G.
Protein change: p.Thr322Ala; replaces threonine 322 with alanine.
Molecular consequence: missense variant.
Genome position (GRCh38, 1-based): chr10:30,458,174, A>G. VCF-style: chr10-30458174-A-G. GRCh37 (hg19) VCF-style: chr10-30747103-A-G.
Other names: c.964A>G, p.Thr322Ala (NM_001244134.1, NM_001320961.2); short protein forms T322A.
Identifiers: ClinVar variation 2907838 (VCV002907838.3), dbSNP rs775953433, ClinGen allele CA205303003.
Genomic context (GRCh38, chr10:30,458,174, plus strand): 5'-AGGGGCCATTCAACCAAAGCAGACATCTACAGCCTGGGGGCCACGCTCATCCACATGCAG[A>G]CGGGCACCCCACCCTGGGTGAAGCGCTACCCTCGCTCAGCCTATCCCTCCTACCTGTACA-3'
Protein context (NP_005195.2, residues 312-332): SLGATLIHMQ[Thr322Ala]GTPPWVKRYP

ClinVar aggregate classification (germline): Uncertain significance (1 of 4 stars; one submission).

gnomAD v4.1: 8 of 1,552,136 alleles (0.00052%); highest among the groups gnomAD compares: Admixed American, 0.0055%; no homozygotes.

Submission:

Labcorp Genetics (formerly Invitae), Labcorp
Classification: Uncertain significance. Last evaluated: 2025-03-31. Review status: criteria provided, single submitter. Criteria: Invitae Variant Classification Sherloc (09022015). Collection method: clinical testing. Allele origin: germline.
Comment: This sequence change replaces threonine, which is neutral and polar, with alanine, which is neutral and non-polar, at codon 322 of the MAP3K8 protein (p.Thr322Ala). This variant is present in population databases (no rsID available, gnomAD 0.007%). This variant has not been reported in the literature in individuals affected with MAP3K8-related conditions. ClinVar contains an entry for this variant (Variation ID: 2907838). An algorithm developed to predict the effect of missense changes on protein structure and function (PolyPhen-2) suggests that this variant is likely to be disruptive. In summary, the available evidence is currently insufficient to determine the role of this variant in disease. Therefore, it has been classified as a Variant of Uncertain Significance.